The following is an entry in ClinVar:

ClinVar aggregate classification (germline): Conflicting classifications of pathogenicity. Review status: criteria provided, conflicting classifications (1 of 4 stars). 3 submissions from 3 submitters: Uncertain significance (1); Likely benign (1). 1 of the submissions does not count toward it. Last evaluated 2018-08-07.

Conditions:
Platelet-type bleeding disorder 10. Also called: CD36 DEFICIENCY. Identifiers: MedGen C1842090, MONDO:0012031, OMIM 608404.
CD36-related disorder. Also called: CD36-related condition; CD36-related disorders.

Allele frequency attached by ClinVar (database versions not stated): gnomAD exomes 0.00009 and 0.00017; ExAC 0.00025; ESP Exome Variant Server 0.00054; gnomAD 0.00054 and 0.00055; TOPMed 0.00058; 1000 Genomes Project 30x 0.00109; 1000 Genomes Project 0.00120.
gnomAD v4.1: 213 of 1,610,480 alleles (0.013%); highest among the groups gnomAD compares: African/African-American, 0.14%; no homozygotes.

Submissions (3):

Labcorp Genetics (formerly Invitae), Labcorp
Classification: Likely benign. Last evaluated: 2018-08-07. Review status: criteria provided, single submitter. Criteria: Invitae Variant Classification Sherloc (09022015). Collection method: clinical testing. Allele origin: germline.

Illumina Laboratory Services, Illumina
Classification: Uncertain significance for Platelet-type bleeding disorder 10. Last evaluated: 2017-04-28. Review status: criteria provided, single submitter. Criteria: ICSL Variant Classification Criteria 13 December 2019. Collection method: clinical testing. Allele origin: germline.
Comment: This variant was observed as part of a predisposition screen in an ostensibly healthy population. A literature search was performed for the gene, cDNA change, and amino acid change (where applicable). Publications were found based on this search. However, the evidence from the literature, in combination with allele frequency data from public databases where available, was not sufficient to rule this variant in or out of causing disease. Therefore, this variant is classified as a variant of unknown significance.

PreventionGenetics, part of Exact Sciences
Classification: Likely benign for CD36-related condition. Last evaluated: 2019-12-26. Review status: no assertion criteria provided. Collection method: clinical testing. Allele origin: germline. Not counted in ClinVar's aggregate classification.
Comment: This variant is classified as likely benign based on ACMG/AMP sequence variant interpretation guidelines (Richards et al. 2015 PMID: 25741868, with internal and published modifications).

Literature cited by the submitters: PubMed 24960640 (cited by Illumina Laboratory Services, Illumina).

NM_001001548.3(CD36):c.1404G>A (p.Ser468=)

Gene: CD36 (CD36 molecule (CD36 blood group); plus strand). Cytogenetic location: 7q21.11.
Variant type: single nucleotide variant.
Coding change: c.1404G>A on transcript NM_001001548.3 (MANE Select); coding-DNA position 1404, G replaced by A.
Protein change: p.Ser468=; no amino-acid change (serine 468 retained).
Molecular consequence: synonymous variant. On other transcripts: non-coding transcript variant (1).
Genome position (GRCh38, 1-based): chr7:80,674,132, G>A. VCF-style: chr7-80674132-G-A. GRCh37 (hg19) VCF-style: chr7-80303448-G-A.
Other names: c.1404G>A, p.Ser468= (NM_000072.3, NM_001001547.3, NM_001127443.2 and 5 more transcripts); c.1287G>A, p.Ser429= (NM_001289908.1); c.1224G>A, p.Ser408= (NM_001289909.1); c.1176G>A, p.Ser392= (NM_001289911.2); c.1302G>A, p.Ser434= (NM_001371079.1); c.939G>A, p.Ser313= (NM_001371080.1, NM_001371081.1).
Identifiers: ClinVar variation 731329 (VCV000731329.9), dbSNP rs141626483, ClinGen allele CA4315844.